The following is an entry in ClinVar:

ClinVar aggregate classification (germline): Pathogenic (1 of 4 stars; one submission).

Allele frequency attached by ClinVar (database versions not stated): gnomAD exomes below 0.00001.

Submission:

Labcorp Genetics (formerly Invitae), Labcorp
Classification: Pathogenic. Last evaluated: 2025-12-22. Review status: criteria provided, single submitter. Criteria: Invitae Variant Classification Sherloc (09022015). Collection method: clinical testing. Allele origin: germline.
Comment: This sequence change creates a premature translational stop signal (p.Thr10Profs*2) in the IFNAR1 gene. It is expected to result in an absent or disrupted protein product. Loss-of-function variants in IFNAR1 are known to be pathogenic (PMID: 31270247, 32960813). This variant is present in population databases (no rsID available, gnomAD 0.003%). This variant has not been reported in the literature in individuals affected with IFNAR1-related conditions. ClinVar contains an entry for this variant (Variation ID: 2050663). For these reasons, this variant has been classified as Pathogenic.

Literature cited by the submitters: PubMed 31270247; PubMed 32960813.

NM_000629.3(IFNAR1):c.27del (p.Thr10fs)

Genes: IFNAR1 (interferon alpha and beta receptor subunit 1; plus strand), LOC119230225 (IFNAR1 promoter region; plus strand). Cytogenetic location: 21q22.11.
Variant type: Deletion.
Coding change: c.27del on transcript NM_000629.3 (MANE Select); coding-DNA position 27, one base deleted (G; older notation c.27delG).
Protein change: p.Thr10fs; shifts the reading frame from threonine 10.
Molecular consequence: frameshift variant. On other transcripts: 5 prime UTR variant (2), intron variant (1).
Genome position (GRCh38, 1-based): chr21:33,325,082, G deleted. VCF-style (leftmost placement, unchanged base first): chr21-33325081-CG-C. GRCh37 (hg19) VCF-style: chr21-34697386-CG-C.
Other names: c.27del, p.Thr10fs (NM_001384498.1, NM_001384499.1, NM_001384501.1 and 1 more transcripts); c.-760del (NM_001384500.1); c.-357del (NM_001384502.1); c.-132+444del (NM_001384504.1); short protein forms T10fs.
Identifiers: ClinVar variation 2050663 (VCV002050663.4), dbSNP rs1409062242, ClinGen allele CA637662768.